The following is an entry in ClinVar:

NM_001291303.3(FAT4):c.11797A>G (p.Thr3933Ala)

Gene: FAT4 (FAT atypical cadherin 4; plus strand). Cytogenetic location: 4q28.1.
Variant type: single nucleotide variant.
Coding change: c.11797A>G on transcript NM_001291303.3 (MANE Select); coding-DNA position 11797, A replaced by G.
Protein change: p.Thr3933Ala; replaces threonine 3933 with alanine.
Molecular consequence: missense variant.
Genome position (GRCh38, 1-based): chr4:125,452,807, A>G. VCF-style: chr4-125452807-A-G. GRCh37 (hg19) VCF-style: chr4-126373962-A-G.
Other names: c.11797A>G, p.Thr3933Ala (NM_001291285.3); c.11791A>G, p.Thr3931Ala (NM_024582.6); short protein forms T3931A, T3933A.
Identifiers: ClinVar variation 2119671 (VCV002119671.4), dbSNP rs2530919190, ClinGen allele CA358164298.
Genomic context (GRCh38, chr4:125,452,807, plus strand): 5'-AATGGTGCCATCTGCCAGAATTTTCCAGGAAGCTTCAACTGTGTTTGCAAAACTGGATAC[A>G]CAGGTATGACAACGTTTGTACTTTTCTCACTAAGACTTTAGCCATGTCAAGTATATTGAA-3'
Protein context (NP_001278232.1, residues 3923-3943): SFNCVCKTGY[Thr3933Ala]GKMCESSVNY

ClinVar aggregate classification (germline): Uncertain significance (1 of 4 stars; one submission).

Submission:

Labcorp Genetics (formerly Invitae), Labcorp
Classification: Uncertain significance. Last evaluated: 2022-05-04. Review status: criteria provided, single submitter. Criteria: Invitae Variant Classification Sherloc (09022015). Collection method: clinical testing. Allele origin: germline.
Comment: In summary, the available evidence is currently insufficient to determine the role of this variant in disease. Therefore, it has been classified as a Variant of Uncertain Significance. This sequence change replaces threonine, which is neutral and polar, with alanine, which is neutral and non-polar, at codon 3931 of the FAT4 protein (p.Thr3931Ala). This variant is not present in population databases (gnomAD no frequency). This variant has not been reported in the literature in individuals affected with FAT4-related conditions. Advanced modeling of protein sequence and biophysical properties (such as structural, functional, and spatial information, amino acid conservation, physicochemical variation, residue mobility, and thermodynamic stability) performed at Invitae indicates that this missense variant is not expected to disrupt FAT4 protein function.